The following is an entry in ClinVar:

NM_004752.4(GCM2):c.213C>A (p.Asn71Lys)

Gene: GCM2 (GCM transcription factor 2; minus strand). Cytogenetic location: 6p24.2.
Variant type: single nucleotide variant.
Coding change: c.213C>A on transcript NM_004752.4 (MANE Select); coding-DNA position 213, C replaced by A.
Protein change: p.Asn71Lys; replaces asparagine 71 with lysine.
Molecular consequence: missense variant.
Genome position (GRCh38, 1-based): chr6:10,877,270, G>T on the plus strand (C>A on the coding strand, the complement: GCM2 is on the minus strand). VCF-style: chr6-10877270-G-T. GRCh37 (hg19) VCF-style: chr6-10877503-G-T.
Other names: short protein forms N71K.
Identifiers: ClinVar variation 4998793 (VCV004998793.1).

ClinVar aggregate classification (germline): Uncertain significance (1 of 4 stars; one submission).

Conditions:
GCM2-related disorder. Also called: GCM2-related condition.

Submission:

PreventionGenetics, part of Exact Sciences
Classification: Uncertain significance for GCM2-related condition. Last evaluated: 2025-08-15. Review status: criteria provided, single submitter. Criteria: ACMG Guidelines, 2015. Collection method: clinical testing. Allele origin: germline.
Comment: The GCM2 c.213C>A variant is predicted to result in the amino acid substitution p.Asn71Lys. To our knowledge, this variant has not been reported in the literature or in a large population database (gnomAD), indicating this variant is rare. At this time, the clinical significance of this variant is uncertain due to the absence of conclusive functional and genetic evidence.